The following is an entry in ClinVar:

ClinVar aggregate classification (germline): Uncertain significance. Review status: criteria provided, multiple submitters, no conflicts (2 of 4 stars). 2 submissions from 2 submitters: Uncertain significance (2). Last evaluated 2025-09-26.

Conditions:
Inborn genetic diseases. Identifiers: MedGen C0950123, MeSH D030342.

Allele frequency attached by ClinVar (database versions not stated): gnomAD 0.00009.

Submissions (2):

Ambry Genetics
Classification: Uncertain significance for Inborn genetic diseases. Last evaluated: 2025-09-26. Review status: criteria provided, single submitter. Criteria: Ambry Variant Classification Scheme 2023. Collection method: clinical testing. Allele origin: germline.

Labcorp Genetics (formerly Invitae), Labcorp
Classification: Uncertain significance. Last evaluated: 2022-04-07. Review status: criteria provided, single submitter. Criteria: Invitae Variant Classification Sherloc (09022015). Collection method: clinical testing. Allele origin: germline.
Comment: In summary, the available evidence is currently insufficient to determine the role of this variant in disease. Therefore, it has been classified as a Variant of Uncertain Significance. Algorithms developed to predict the effect of missense changes on protein structure and function (SIFT, PolyPhen-2, Align-GVGD) all suggest that this variant is likely to be tolerated. This variant has not been reported in the literature in individuals affected with ABCB6-related conditions. This variant is present in population databases (rs768341073, gnomAD 0.008%). This sequence change replaces glutamic acid, which is acidic and polar, with lysine, which is basic and polar, at codon 809 of the ABCB6 protein (p.Glu809Lys).

NM_005689.4(ABCB6):c.2425G>A (p.Glu809Lys)

Gene: ABCB6 (ATP binding cassette subfamily B member 6 (LAN blood group); minus strand). Cytogenetic location: 2q35.
Variant type: single nucleotide variant.
Coding change: c.2425G>A on transcript NM_005689.4 (MANE Select); coding-DNA position 2425, G replaced by A.
Protein change: p.Glu809Lys; replaces glutamic acid 809 with lysine.
Molecular consequence: missense variant.
Genome position (GRCh38, 1-based): chr2:219,210,042, C>T on the plus strand (G>A on the coding strand, the complement: ABCB6 is on the minus strand). VCF-style: chr2-219210042-C-T. GRCh37 (hg19) VCF-style: chr2-220074764-C-T.
Other names: c.2287G>A, p.Glu763Lys (NM_001349828.2); short protein forms E763K, E809K.
Identifiers: ClinVar variation 2062898 (VCV002062898.6), dbSNP rs768341073, ClinGen allele CA2118885.